The following is an entry in ClinVar:

ClinVar aggregate classification (germline): Uncertain significance (1 of 4 stars; one submission).

Conditions:
Cardiovascular phenotype. Identifiers: MedGen CN230736.

Submission:

Ambry Genetics
Classification: Uncertain significance for Cardiovascular phenotype. Last evaluated: 2026-01-17. Review status: criteria provided, single submitter. Criteria: Ambry Variant Classification Scheme 2023. Collection method: clinical testing. Allele origin: germline.
Comment: The p.P2175S variant (also known as c.6523C>T), located in coding exon 2 of the ZNF469 gene, results from a C to T substitution at nucleotide position 6523. The proline at codon 2175 is replaced by serine, an amino acid with similar properties. This amino acid position is conserved. In addition, this alteration is predicted to be tolerated by in silico analysis. Based on the available evidence, the clinical significance of this variant remains unclear.

NM_001127464.1:c.6523C>T

Gene: ZNF469 (zinc finger protein 469; plus strand).
Variant type: single nucleotide variant.
Identifiers: ClinVar variation 4844995 (VCV004844995.1).